The following is an entry in ClinVar:

ClinVar aggregate classification (germline): Uncertain significance (1 of 4 stars; one submission).

Conditions:
KBG syndrome (KBGS). Also called: ANKRD11-Related KBG Syndrome. Identifiers: Orphanet 2332, MedGen C0220687, MONDO:0007846, OMIM 148050.

Allele frequency attached by ClinVar (database versions not stated): gnomAD 0.00001; TOPMed 0.00002.

Submission:

Labcorp Genetics (formerly Invitae), Labcorp
Classification: Uncertain significance for KBG syndrome. Last evaluated: 2022-09-09. Review status: criteria provided, single submitter. Criteria: Invitae Variant Classification Sherloc (09022015). Collection method: clinical testing. Allele origin: germline.
Comment: In summary, the available evidence is currently insufficient to determine the role of this variant in disease. Therefore, it has been classified as a Variant of Uncertain Significance. Advanced modeling of protein sequence and biophysical properties (such as structural, functional, and spatial information, amino acid conservation, physicochemical variation, residue mobility, and thermodynamic stability) performed at Invitae indicates that this missense variant is not expected to disrupt ANKRD11 protein function. This variant has not been reported in the literature in individuals affected with ANKRD11-related conditions. This variant is present in population databases (no rsID available, gnomAD 0.007%). This sequence change replaces threonine, which is neutral and polar, with proline, which is neutral and non-polar, at codon 1309 of the ANKRD11 protein (p.Thr1309Pro).

NM_013275.6(ANKRD11):c.3925A>C (p.Thr1309Pro)

Gene: ANKRD11 (ankyrin repeat domain 11; minus strand). Cytogenetic location: 16q24.3.
Variant type: single nucleotide variant.
Coding change: c.3925A>C on transcript NM_013275.6 (MANE Select); coding-DNA position 3925, A replaced by C.
Protein change: p.Thr1309Pro; replaces threonine 1309 with proline.
Molecular consequence: missense variant.
Genome position (GRCh38, 1-based): chr16:89,282,617, T>G on the plus strand (A>C on the coding strand, the complement: ANKRD11 is on the minus strand). VCF-style: chr16-89282617-T-G. GRCh37 (hg19) VCF-style: chr16-89349025-T-G.
Other names: c.3925A>C, p.Thr1309Pro (NM_001256182.2, NM_001256183.2); short protein forms T1309P.
Identifiers: ClinVar variation 1938158 (VCV001938158.5), dbSNP rs940768194, ClinGen allele CA286516776.